The following is an entry in ClinVar:

NM_003995.4(NPR2):c.2629_2630del (p.Ser877fs)

Gene: NPR2 (natriuretic peptide receptor 2; plus strand). Cytogenetic location: 9p13.3.
Variant type: Microsatellite.
Coding change: c.2629_2630del on transcript NM_003995.4 (MANE Select); coding-DNA positions 2629 to 2630, 2 bases deleted (AG; older notation c.2629_2630delAG).
Protein change: p.Ser877fs; shifts the reading frame from serine 877.
Molecular consequence: frameshift variant.
Genome position (GRCh38, 1-based): chr9:35,807,132-35,807,133, AG deleted; deleting any 2 consecutive bases within chr9:35,807,128-35,807,133 gives the same sequence; the c. name uses the placement nearest the transcript's 3' end. VCF-style (leftmost placement, unchanged base first): chr9-35807127-CAG-C. GRCh37 (hg19) VCF-style: chr9-35807124-CAG-C.
Other names: c.2638_2639del, p.Ser880fs (NM_001378923.1); c.2629_2630delAG (NM_003995.4); short protein forms S877fs, S880fs.
Identifiers: ClinVar variation 3366928 (VCV003366928.1).
Genomic context (GRCh38, chr9:35,807,127, plus strand): 5'-AGGCCTTTGACAGTGTTACCATCTACTTCAGTGACATTGTTGGCTTCACAGCATTGTCAG[CAG>C]AGAGCACCCCCATGCAGGTGAGAGCCATGGGTGAGAGGTGGCGGGTGGGGTTGGGTGGGT-3'

ClinVar aggregate classification (germline): Pathogenic (1 of 4 stars; one submission).

Conditions:
Short stature with nonspecific skeletal abnormalities. Identifiers: MedGen C4225399, MONDO:0975810.

Submission:

Key Laboratory of Endocrinology, Affiliated Hospital of Jining Medical University
Classification: Pathogenic for Short stature with nonspecific skeletal abnormalities 1. Review status: criteria provided, single submitter. Criteria: ACMG Guidelines, 2015. Collection method: clinical testing. Allele origin: inherited. Affected: yes. Observed: 2 variant alleles.
Comment: The NM_003995.4 c.2629_2630delAG, is a frameshift mutation in NPR2 which is predicted to result in a premature stop codon at position 888, and likely results in an absent or disrupted protein product (PVS1+ PM4). This mutation is not present in gnomAD (PM2). In summary, this mutation meets criteria to be classified as pathogenic (PVS1, PM2, PM4, PP1, PP4) for Short Stature based on the ACMG/AMP criteria applied.